The following is an entry in ClinVar:

ClinVar aggregate classification (germline): Uncertain significance (1 of 4 stars; one submission).

Conditions:
Hypercholesterolemia, familial, 4 (FHCL4). Also called: HYPERCHOLESTEROLEMIA, AUTOSOMAL RECESSIVE, 1; HYPERCHOLESTEROLEMIA, AUTOSOMAL RECESSIVE, 2. Identifiers: Orphanet 391665, MedGen C1863512, MONDO:0011374, OMIM 603813.

gnomAD v4.1: 2 of 1,613,452 alleles (0.00012%); highest among the groups gnomAD compares: Non-Finnish European, 0.000085%; no homozygotes.

Submission:

Labcorp Genetics (formerly Invitae), Labcorp
Classification: Uncertain significance for Hypercholesterolemia, familial, 4. Last evaluated: 2021-08-28. Review status: criteria provided, single submitter. Criteria: Invitae Variant Classification Sherloc (09022015). Collection method: clinical testing. Allele origin: germline.
Comment: This sequence change replaces aspartic acid with tyrosine at codon 291 of the LDLRAP1 protein (p.Asp291Tyr). The aspartic acid residue is moderately conserved and there is a large physicochemical difference between aspartic acid and tyrosine. This variant is present in population databases (rs753968574, ExAC 0.002%). This variant has not been reported in the literature in individuals affected with LDLRAP1-related conditions. Algorithms developed to predict the effect of missense changes on protein structure and function are either unavailable or do not agree on the potential impact of this missense change (SIFT: "Deleterious"; PolyPhen-2: "Possibly Damaging"; Align-GVGD: "Class C0"). In summary, the available evidence is currently insufficient to determine the role of this variant in disease. Therefore, it has been classified as a Variant of Uncertain Significance.

NM_015627.3(LDLRAP1):c.871G>T (p.Asp291Tyr)

Gene: LDLRAP1 (low density lipoprotein receptor adaptor protein 1; plus strand). Cytogenetic location: 1p36.11.
Variant type: single nucleotide variant.
Coding change: c.871G>T on transcript NM_015627.3 (MANE Select); coding-DNA position 871, G replaced by T.
Protein change: p.Asp291Tyr; replaces aspartic acid 291 with tyrosine.
Molecular consequence: missense variant.
Genome position (GRCh38, 1-based): chr1:25,566,936, G>T. VCF-style: chr1-25566936-G-T. GRCh37 (hg19) VCF-style: chr1-25893427-G-T.
Other names: short protein forms D291Y.
Identifiers: ClinVar variation 1043047 (VCV001043047.6), dbSNP rs753968574, ClinGen allele CA695776.